The following is an entry in ClinVar:

NM_001267550.2(TTN):c.8117-15T>C

Gene: TTN (titin; minus strand). Cytogenetic location: 2q31.2.
Variant type: single nucleotide variant.
Coding change: c.8117-15T>C on transcript NM_001267550.2 (MANE Select); 15 bases into the intron before coding-DNA position 8117, T replaced by C.
Molecular consequence: intron variant.
Genome position (GRCh38, 1-based): chr2:178,770,690, A>G on the plus strand (T>C on the coding strand, the complement: TTN is on the minus strand). VCF-style: chr2-178770690-A-G. GRCh37 (hg19) VCF-style: chr2-179635417-A-G.
Other names: c.7979-15T>C (NM_003319.4, NM_133437.4, NM_133432.3); c.8117-15T>C (NM_133378.4, NM_001256850.1, NM_133379.5).
Identifiers: ClinVar variation 515412 (VCV000515412.1), dbSNP rs1553995846, ClinGen allele CA658796067.

ClinVar aggregate classification (germline): Likely benign (1 of 4 stars; one submission).

Submission:

GeneDx
Classification: Likely benign. Last evaluated: 2018-02-06. Review status: criteria provided, single submitter. Criteria: GeneDx Variant Classification (06012015). Collection method: clinical testing. Allele origin: germline. Affected: yes.
Comment: This variant is considered likely benign or benign based on one or more of the following criteria: it is a conservative change, it occurs at a poorly conserved position in the protein, it is predicted to be benign by multiple in silico algorithms, and/or has population frequency not consistent with disease.